The following is an entry in ClinVar:

NM_005411.5(SFTPA1):c.677A>G (p.Glu226Gly)

Gene: SFTPA1 (surfactant protein A1; plus strand). Cytogenetic location: 10q22.3.
Variant type: single nucleotide variant.
Coding change: c.677A>G on transcript NM_005411.5 (MANE Select); coding-DNA position 677, A replaced by G.
Protein change: p.Glu226Gly; replaces glutamic acid 226 with glycine.
Molecular consequence: missense variant.
Genome position (GRCh38, 1-based): chr10:79,614,043, A>G. VCF-style: chr10-79614043-A-G. GRCh37 (hg19) VCF-style: chr10-81373799-A-G.
Other names: c.722A>G, p.Glu241Gly (NM_001093770.3); c.677A>G, p.Glu226Gly (NM_001164644.2, NM_001164647.1); c.575A>G, p.Glu192Gly (NM_001164645.2); c.530A>G, p.Glu177Gly (NM_001164646.2); short protein forms E226G, E241G, E177G, E192G.
Identifiers: ClinVar variation 229246 (VCV000229246.5), dbSNP rs876657999, ClinGen allele CA10576827.

ClinVar aggregate classification (germline): Uncertain significance (1 of 4 stars; one submission).

Submission:

Laboratory for Molecular Medicine, Mass General Brigham Personalized Medicine
Classification: Uncertain significance. Last evaluated: 2015-09-02. Review status: criteria provided, single submitter. Criteria: LMM Criteria. Collection method: clinical testing. Allele origin: germline. Observed: 1 variant allele.
Comment: The p.Glu241Gly variant in SFTPA1 has not been previously reported in individual s with pulmonary disease or in large population studies. Computational predictio n tools and conservation analysis suggest that the p.Glu241Gly variant may impac t the protein, though this information is not predictive enough to determine pat hogenicity. In summary, the clinical significance of the p.Glu241Gly variant is uncertain.